The following is an entry in ClinVar:

ClinVar aggregate classification (germline): Likely benign. Review status: criteria provided, multiple submitters, no conflicts (2 of 4 stars). 2 submissions from 2 submitters: Likely benign (2). Last evaluated 2026-03-27.

Conditions:
Walker-Warburg congenital muscular dystrophy. Also called: Muscular dystrophy-dystroglycanopathy, type A; Walker-Warburg syndrome. Identifiers: Orphanet 899, MedGen C0265221, MONDO:0000171.

Submissions (2):

Molecular Diagnostic Laboratory for Inherited Cardiovascular Disease, Montreal Heart Institute
Classification: Likely benign. Last evaluated: 2026-03-27. Review status: criteria provided, single submitter. Criteria: ACMG Guidelines, 2015. Collection method: clinical testing. Allele origin: germline. Affected: no.
Comment: BP7

Labcorp Genetics (formerly Invitae), Labcorp
Classification: Likely benign for Walker-Warburg congenital muscular dystrophy. Last evaluated: 2023-10-22. Review status: criteria provided, single submitter. Criteria: Invitae Variant Classification Sherloc (09022015). Collection method: clinical testing. Allele origin: germline.

NM_024301.5(FKRP):c.813G>C (p.Ala271=)

Gene: FKRP (fukutin related protein; plus strand). Cytogenetic location: 19q13.32.
Variant type: single nucleotide variant.
Coding change: c.813G>C on transcript NM_024301.5 (MANE Select); coding-DNA position 813, G replaced by C.
Protein change: p.Ala271=; no amino-acid change (alanine 271 retained).
Molecular consequence: synonymous variant.
Genome position (GRCh38, 1-based): chr19:46,756,263, G>C. VCF-style: chr19-46756263-G-C. GRCh37 (hg19) VCF-style: chr19-47259520-G-C.
Other names: c.813G>C, p.Ala271= (NM_001039885.3).
Identifiers: ClinVar variation 2771000 (VCV002771000.4), dbSNP rs781205564, ClinGen allele CA507976163.
Genomic context (GRCh38, chr19:46,756,263, plus strand): 5'-CCACGCGCGCTGGAAGGCTGAGCGCGAGGGACGCGCTCGGCGGGCGGCGCTGCTCCGCGC[G>C]CTGGGCATCCGCCTAGTGAGCTGGGAAGGCGGGCGGCTGGAGTGGTTCGGCTGCAACAAG-3'
Protein context (NP_077277.1, residues 261-281): GRARRAALLR[Ala271=]LGIRLVSWEG